The following is an entry in ClinVar:

ClinVar aggregate classification (germline): Uncertain significance. Review status: criteria provided, multiple submitters, no conflicts (2 of 4 stars). 2 submissions from 2 submitters: Uncertain significance (2). Last evaluated 2025-12-09.

Allele frequency attached by ClinVar (database versions not stated): TOPMed 0.00002.

Submissions (2):

Labcorp Genetics (formerly Invitae), Labcorp
Classification: Uncertain significance. Last evaluated: 2025-12-09. Review status: criteria provided, single submitter. Criteria: Invitae Variant Classification Sherloc (09022015). Collection method: clinical testing. Allele origin: germline.
Comment: This sequence change replaces proline, which is neutral and non-polar, with leucine, which is neutral and non-polar, at codon 100 of the ITGAM protein (p.Pro100Leu). This variant is present in population databases (no rsID available, gnomAD 0.003%). This variant has not been reported in the literature in individuals affected with ITGAM-related conditions. ClinVar contains an entry for this variant (Variation ID: 2999419). An algorithm developed to predict the effect of missense changes on protein structure and function (PolyPhen-2) suggests that this variant is likely to be tolerated. In summary, the available evidence is currently insufficient to determine the role of this variant in disease. Therefore, it has been classified as a Variant of Uncertain Significance.

Ambry Genetics
Classification: Uncertain significance. Last evaluated: 2025-11-03. Review status: criteria provided, single submitter. Criteria: Ambry Variant Classification Scheme 2023. Collection method: clinical testing. Allele origin: germline.

NM_000632.4(ITGAM):c.299C>T (p.Pro100Leu)

Genes: ITGAM (integrin subunit alpha M; plus strand), LOC126862331 (P300/CBP strongly-dependent group 1 enhancer GRCh37_chr16:31276375-31277574; plus strand). Cytogenetic location: 16p11.2.
Variant type: single nucleotide variant.
Coding change: c.299C>T on transcript NM_000632.4 (MANE Select); coding-DNA position 299, C replaced by T.
Protein change: p.Pro100Leu; replaces proline 100 with leucine.
Molecular consequence: missense variant.
Genome position (GRCh38, 1-based): chr16:31,265,871, C>T. VCF-style: chr16-31265871-C-T. GRCh37 (hg19) VCF-style: chr16-31277192-C-T.
Other names: c.299C>T (NM_000632.3); c.299C>T, p.Pro100Leu (NM_001145808.2); short protein forms P100L.
Identifiers: ClinVar variation 2999419 (VCV002999419.5), dbSNP rs773149022, ClinGen allele CA280602828.
Genomic context (GRCh38, chr16:31,265,871, plus strand): 5'-TCCCCGTGGAGGCCGTGAACATGTCCCTGGGCCTGTCCCTGGCAGCCACCACCAGCCCCC[C>T]TCAGCTGCTGGTGAGTGGGGCTCGATCAGAGGAGCATCCTAATGGGGGTGTTTGGGGGCC-3'
Protein context (NP_000623.2, residues 90-110): GLSLAATTSP[Pro100Leu]QLLACGPTVH